The following is an entry in ClinVar:

NM_030973.4(MED25):c.1964C>T (p.Pro655Leu)

Gene: MED25 (mediator complex subunit 25; plus strand). Cytogenetic location: 19q13.33.
Variant type: single nucleotide variant.
Coding change: c.1964C>T on transcript NM_030973.4 (MANE Select); coding-DNA position 1964, C replaced by T.
Protein change: p.Pro655Leu; replaces proline 655 with leucine.
Molecular consequence: missense variant.
Genome position (GRCh38, 1-based): chr19:49,835,944, C>T. VCF-style: chr19-49835944-C-T. GRCh37 (hg19) VCF-style: chr19-50339201-C-T.
Other names: c.1964C>T, p.Pro655Leu (NM_001378355.1); short protein forms P655L.
Identifiers: ClinVar variation 942827 (VCV000942827.8), dbSNP rs202187834, ClinGen allele CA9585421.

ClinVar aggregate classification (germline): Uncertain significance. Review status: criteria provided, multiple submitters, no conflicts (2 of 4 stars). 3 submissions from 3 submitters: Uncertain significance (3). Last evaluated 2021-11-08.

Conditions:
Inborn genetic diseases. Identifiers: MedGen C0950123, MeSH D030342.
Charcot-Marie-Tooth disease type 2. Also called: Charcot-Marie-Tooth type 2. Identifiers: Orphanet 64746, MedGen C0270914, MONDO:0018993.
Congenital cataract-microcephaly-nevus flammeus simplex-severe intellectual disability syndrome. Also called: Basel-Vanagaite-Smirin-Yosef syndrome. Identifiers: Orphanet 464738, MedGen C4225323, MONDO:0014643, OMIM 616449.

Allele frequency attached by ClinVar (database versions not stated): ExAC 0.00004; TOPMed 0.00005; gnomAD exomes 0.00013; gnomAD 0.00004.
gnomAD v4.1: 195 of 1,612,790 alleles (0.012%); highest among the groups gnomAD compares: Non-Finnish European, 0.016%; no homozygotes.

Submissions (3):

Labcorp Genetics (formerly Invitae), Labcorp
Classification: Uncertain significance for Charcot-Marie-Tooth disease type 2. Last evaluated: 2021-11-08. Review status: criteria provided, single submitter. Criteria: Invitae Variant Classification Sherloc (09022015). Collection method: clinical testing. Allele origin: germline.
Comment: This sequence change replaces proline, which is neutral and non-polar, with leucine, which is neutral and non-polar, at codon 655 of the MED25 protein (p.Pro655Leu). This variant is present in population databases (rs202187834, gnomAD 0.01%). This variant has not been reported in the literature in individuals affected with MED25-related conditions. ClinVar contains an entry for this variant (Variation ID: 942827). Algorithms developed to predict the effect of missense changes on protein structure and function are either unavailable or do not agree on the potential impact of this missense change (SIFT: "Deleterious"; PolyPhen-2: "Probably Damaging"; Align-GVGD: "Class C0"). In summary, the available evidence is currently insufficient to determine the role of this variant in disease. Therefore, it has been classified as a Variant of Uncertain Significance.

Ambry Genetics
Classification: Uncertain significance for Inborn genetic diseases. Last evaluated: 2021-06-18. Review status: criteria provided, single submitter. Criteria: Ambry Variant Classification Scheme 2023. Collection method: clinical testing. Allele origin: germline.

Revvity Omics, Revvity
Classification: Uncertain significance for Congenital cataract-microcephaly-nevus flammeus simplex-severe intellectual disability syndrome. Last evaluated: 2019-02-19. Review status: criteria provided, single submitter. Criteria: ACMG Guidelines, 2015. Collection method: clinical testing. Allele origin: germline.